The following is an entry in ClinVar:

NM_003060.4(SLC22A5):c.55C>T (p.Arg19Cys)

Gene: SLC22A5 (solute carrier family 22 member 5; plus strand). Cytogenetic location: 5q31.1.
Variant type: single nucleotide variant.
Coding change: c.55C>T on transcript NM_003060.4 (MANE Select); coding-DNA position 55, C replaced by T.
Protein change: p.Arg19Cys; replaces arginine 19 with cysteine.
Molecular consequence: missense variant.
Genome position (GRCh38, 1-based): chr5:132,370,027, C>T. VCF-style: chr5-132370027-C-T. GRCh37 (hg19) VCF-style: chr5-131705719-C-T.
Other names: c.55C>T, p.Arg19Cys (NM_001308122.2); short protein forms R19C.
Identifiers: ClinVar variation 1055631 (VCV001055631.8), dbSNP rs1319889867, ClinGen allele CA360802289.

ClinVar aggregate classification (germline): Conflicting classifications of pathogenicity. Review status: criteria provided, conflicting classifications (1 of 4 stars). 2 submissions from 2 submitters: Likely pathogenic (1); Uncertain significance (1). Last evaluated 2025-11-17.

Conditions:
Renal carnitine transport defect (CDSP). Also called: Systemic primary carnitine deficiency; Systemic primary carnitine deficiency disease; Primary carnitine deficiency; Carnitine transporter deficiency; Carnitine Deficiency, Systemic; CARNITINE DEFICIENCY, SYSTEMIC, DUE TO DEFECT IN RENAL REABSORPTION OF CARNITINE. Identifiers: Orphanet 158, MedGen C0342788, MONDO:0008919, OMIM 212140.

Allele frequency attached by ClinVar (database versions not stated): gnomAD exomes below 0.00001; TOPMed below 0.00001.
gnomAD v4.1: 5 of 1,613,410 alleles (0.00031%); highest among the groups gnomAD compares: East Asian, 0.0022%; no homozygotes.

Submissions (2):

Labcorp Genetics (formerly Invitae), Labcorp
Classification: Likely pathogenic for Renal carnitine transport defect. Last evaluated: 2025-11-17. Review status: criteria provided, single submitter. Criteria: Invitae Variant Classification Sherloc (09022015). Collection method: clinical testing. Allele origin: germline.
Comment: This sequence change replaces arginine, which is basic and polar, with cysteine, which is neutral and slightly polar, at codon 19 of the SLC22A5 protein (p.Arg19Cys). This variant is present in population databases (no rsID available, gnomAD 0.0009%). This variant has not been reported in the literature in individuals affected with SLC22A5-related conditions. ClinVar contains an entry for this variant (Variation ID: 1055631). Invitae Evidence Modeling of protein sequence and biophysical properties (such as structural, functional, and spatial information, amino acid conservation, physicochemical variation, residue mobility, and thermodynamic stability) indicates that this missense variant is expected to disrupt SLC22A5 protein function with a positive predictive value of 95%. This variant disrupts the p.Arg19 amino acid residue in SLC22A5. Other variant(s) that disrupt this residue have been determined to be pathogenic (PMID: 11715001, 16652335, 28841266; internal data). This suggests that this residue is clinically significant, and that variants that disrupt this residue are likely to be disease-causing. In summary, the currently available evidence indicates that the variant is pathogenic, but additional data are needed to prove that conclusively. Therefore, this variant has been classified as Likely Pathogenic.

Women's Health and Genetics/Laboratory Corporation of America, LabCorp
Classification: Uncertain significance. Last evaluated: 2025-05-30. Review status: criteria provided, single submitter. Criteria: LabCorp Variant Classification Summary - May 2015. Collection method: clinical testing. Allele origin: germline.
Comment: Variant summary: SLC22A5 c.55C>T (p.Arg19Cys) results in a non-conservative amino acid change in the encoded protein sequence. Algorithms developed to predict the effect of missense changes on protein structure and function all suggest that this variant is likely to be disruptive. The variant allele was found at a frequency of 4e-06 in 249224 control chromosomes. The available data on variant occurrences in the general population are insufficient to allow any conclusion about variant significance. To our knowledge, no occurrence of c.55C>T in individuals affected with Systemic Primary Carnitine Deficiency and no experimental evidence demonstrating its impact on protein function have been reported. ClinVar contains an entry for this variant (Variation ID: 1055631). Based on the evidence outlined above, the variant was classified as uncertain significance.

Literature cited by the submitters: PubMed 11715001 (cited by Labcorp Genetics (formerly Invitae), Labcorp); PubMed 16652335 (cited by Labcorp Genetics (formerly Invitae), Labcorp); PubMed 28841266 (cited by Labcorp Genetics (formerly Invitae), Labcorp).